The following is an entry in ClinVar:

ClinVar aggregate classification (germline): Uncertain significance (1 of 4 stars; one submission).

Conditions:
Norman-Roberts syndrome (LIS2). Also called: Lissencephaly 2 (Norman-Roberts type). Identifiers: Orphanet 89844, MedGen C0796089, MONDO:0009760, OMIM 257320.
Familial temporal lobe epilepsy 7. Identifiers: Orphanet 101046, MedGen C4225327, MONDO:0014639, OMIM 616436.

Submission:

Labcorp Genetics (formerly Invitae), Labcorp
Classification: Uncertain significance for Familial temporal lobe epilepsy 7; Norman-Roberts syndrome. Last evaluated: 2021-02-07. Review status: criteria provided, single submitter. Criteria: Invitae Variant Classification Sherloc (09022015). Collection method: clinical testing. Allele origin: germline.
Comment: This sequence change replaces glutamine with arginine at codon 1627 of the RELN protein (p.Gln1627Arg). The glutamine residue is highly conserved and there is a small physicochemical difference between glutamine and arginine. This variant is not present in population databases (ExAC no frequency). This variant has not been reported in the literature in individuals with RELN-related conditions. Algorithms developed to predict the effect of missense changes on protein structure and function are either unavailable or do not agree on the potential impact of this missense change (SIFT: "Deleterious"; PolyPhen-2: "Probably Damaging"; Align-GVGD: "Class C0"). In summary, the available evidence is currently insufficient to determine the role of this variant in disease. Therefore, it has been classified as a Variant of Uncertain Significance.

NM_005045.4(RELN):c.4880A>G (p.Gln1627Arg)

Gene: RELN (reelin; minus strand). Cytogenetic location: 7q22.1.
Variant type: single nucleotide variant.
Coding change: c.4880A>G on transcript NM_005045.4 (MANE Select); coding-DNA position 4880, A replaced by G.
Protein change: p.Gln1627Arg; replaces glutamine 1627 with arginine.
Molecular consequence: missense variant.
Genome position (GRCh38, 1-based): chr7:103,566,280, T>C on the plus strand (A>G on the coding strand, the complement: RELN is on the minus strand). VCF-style: chr7-103566280-T-C. GRCh37 (hg19) VCF-style: chr7-103206727-T-C.
Other names: c.4880A>G, p.Gln1627Arg (NM_173054.3); short protein forms Q1627R.
Identifiers: ClinVar variation 1370312 (VCV001370312.8), dbSNP rs1273427587, ClinGen allele CA368747864.